The following is an entry in ClinVar:

NM_000271.5(NPC1):c.1553+18A>G

Gene: NPC1 (NPC intracellular cholesterol transporter 1; minus strand). Cytogenetic location: 18q11.2.
Variant type: single nucleotide variant.
Coding change: c.1553+18A>G on transcript NM_000271.5 (MANE Select); 18 bases into the intron after coding-DNA position 1553, A replaced by G.
Molecular consequence: intron variant.
Genome position (GRCh38, 1-based): chr18:23,554,740, T>C on the plus strand (A>G on the coding strand, the complement: NPC1 is on the minus strand). VCF-style: chr18-23554740-T-C. GRCh37 (hg19) VCF-style: chr18-21134704-T-C.
Other names: p.?.
Identifiers: ClinVar variation 1591784 (VCV001591784.13), dbSNP rs373017634, ClinGen allele CA8913446.

ClinVar aggregate classification (germline): Likely benign. Review status: criteria provided, multiple submitters, no conflicts (2 of 4 stars). 4 submissions from 4 submitters: Likely benign (4). Last evaluated 2026-02-02.

Conditions:
Niemann-Pick disease, type C1. Also called: NEUROVISCERAL STORAGE DISEASE WITH VERTICAL SUPRANUCLEAR OPHTHALMOPLEGIA; NIEMANN-PICK DISEASE WITH CHOLESTEROL ESTERIFICATION BLOCK; NIEMANN-PICK DISEASE WITHOUT SPHINGOMYELINASE DEFICIENCY; NIEMANN-PICK DISEASE, CHRONIC NEURONOPATHIC FORM; NIEMANN-PICK DISEASE, VARIANT TYPE C1. Identifiers: Orphanet 646, MedGen C3179455, MONDO:0009757, OMIM 257220.

Allele frequency attached by ClinVar (database versions not stated): gnomAD 0.00039 and 0.00041; TOPMed 0.00039; ExAC 0.00043; ESP Exome Variant Server 0.00046.
gnomAD v4.1: 889 of 1,599,450 alleles (0.056%); highest among the groups gnomAD compares: Non-Finnish European, 0.071%; 1 homozygote.

Submissions (4):

Labcorp Genetics (formerly Invitae), Labcorp
Classification: Likely benign for Niemann-Pick disease, type C1. Last evaluated: 2026-02-02. Review status: criteria provided, single submitter. Criteria: Invitae Variant Classification Sherloc (09022015). Collection method: clinical testing. Allele origin: germline.

Mayo Clinic Laboratories, Mayo Clinic
Classification: Likely benign. Last evaluated: 2025-09-24. Review status: criteria provided, single submitter. Criteria: ACMG Guidelines, 2015. Collection method: clinical testing. Allele origin: germline. Observed: 1 variant allele.
Comment: BP4, BP7

Blueprint Genetics
Classification: Likely benign. Last evaluated: 2024-11-25. Review status: criteria provided, single submitter. Criteria: ACMG Guidelines, 2015. Collection method: clinical testing. Allele origin: germline.

Women's Health and Genetics/Laboratory Corporation of America, LabCorp
Classification: Likely benign. Last evaluated: 2023-09-15. Review status: criteria provided, single submitter. Criteria: LabCorp Variant Classification Summary - May 2015. Collection method: clinical testing. Allele origin: germline.